The following is an entry in ClinVar:

ClinVar aggregate classification (germline): Benign (1 of 4 stars; one submission).

Conditions:
Hyperekplexia 2 (HKPX2). Identifiers: Orphanet 3197, MedGen C3553291, MONDO:0013828, OMIM 614619.

Allele frequency attached by ClinVar (database versions not stated): 1000 Genomes Project 0.00539; TOPMed 0.00542; 1000 Genomes Project 30x 0.00547.

Submission:

Illumina Laboratory Services, Illumina
Classification: Benign for Hyperekplexia 2. Last evaluated: 2018-01-13. Review status: criteria provided, single submitter. Criteria: ICSL Variant Classification Criteria 13 December 2019. Collection method: clinical testing. Allele origin: germline.
Comment: This variant was observed in the ICSL laboratory as part of a predisposition screen in an ostensibly healthy population. It had not been previously curated by ICSL or reported in the Human Gene Mutation Database (HGMD: prior to June 1st, 2018), and was therefore a candidate for classification through an automated scoring system. Utilizing variant allele frequency, disease prevalence and penetrance estimates, and inheritance mode, an automated score was calculated to assess if this variant is too frequent to cause the disease. Based on the score and internal cut-off values, a variant classified as benign is not then subjected to further curation. The score for this variant resulted in a classification of benign for this disease.

NM_000824.4(GLRB):c.-182C>G

Gene: GLRB (glycine receptor beta; plus strand). Cytogenetic location: 4q32.1.
Variant type: single nucleotide variant.
Coding change: c.-182C>G on transcript NM_000824.4; 182 bases upstream of the start codon, C replaced by G.
Genome position (GRCh38, 1-based): chr4:157,076,145, C>G. VCF-style: chr4-157076145-C-G. GRCh37 (hg19) VCF-style: chr4-157997297-C-G.
Identifiers: ClinVar variation 347909 (VCV000347909.7), dbSNP rs574809389, ClinGen allele CA10617305.